The following is an entry in ClinVar:

ClinVar aggregate classification (germline): Uncertain significance (1 of 4 stars; one submission).

Conditions:
Inborn genetic diseases. Identifiers: MedGen C0950123, MeSH D030342.

gnomAD v4.1: 4 of 1,614,056 alleles (0.00025%); highest among the groups gnomAD compares: Non-Finnish European, 0.00034%; no homozygotes.

Submission:

Ambry Genetics
Classification: Uncertain significance for Inborn genetic diseases. Last evaluated: 2026-04-06. Review status: criteria provided, single submitter. Criteria: Ambry Variant Classification Scheme 2023. Collection method: clinical testing. Allele origin: germline.
Comment: The c.826A>G (p.N276D) alteration is located in exon 7 (coding exon 4) of the ACP5 gene. This alteration results from a A to G substitution at nucleotide position 826, causing the asparagine (N) at amino acid position 276 to be replaced by an aspartic acid (D). Based on data from gnomAD, the G allele has an overall frequency of 0.003% (1/31406) total alleles studied. The highest observed frequency was 0.007% (1/15432) of European (non-Finnish) alleles. Based on insufficient or conflicting evidence, the clinical significance of this alteration remains unclear.

NM_001611.5(ACP5):c.826A>G (p.Asn276Asp)

Gene: ACP5 (acid phosphatase 5, tartrate resistant; minus strand). Cytogenetic location: 19p13.2.
Variant type: single nucleotide variant.
Coding change: c.826A>G on transcript NM_001611.5 (MANE Select); coding-DNA position 826, A replaced by G.
Protein change: p.Asn276Asp; replaces asparagine 276 with aspartic acid.
Molecular consequence: missense variant.
Genome position (GRCh38, 1-based): chr19:11,575,162, T>C on the plus strand (A>G on the coding strand, the complement: ACP5 is on the minus strand). VCF-style: chr19-11575162-T-C. GRCh37 (hg19) VCF-style: chr19-11685977-T-C.
Other names: c.826A>G, p.Asn276Asp (NM_001111034.3, NM_001111035.3, NM_001111036.3 and 5 more transcripts); short protein forms N276D.
Identifiers: ClinVar variation 4867184 (VCV004867184.1).